The following is an entry in ClinVar:

NM_001256007.3(PNPLA8):c.1628A>G (p.Asp543Gly)

Gene: PNPLA8 (patatin like domain 8, phospholipase A2; minus strand). Cytogenetic location: 7q31.1.
Variant type: single nucleotide variant.
Coding change: c.1628A>G on transcript NM_001256007.3 (MANE Select); coding-DNA position 1628, A replaced by G.
Protein change: p.Asp543Gly; replaces aspartic acid 543 with glycine.
Molecular consequence: missense variant.
Genome position (GRCh38, 1-based): chr7:108,491,465, T>C on the plus strand (A>G on the coding strand, the complement: PNPLA8 is on the minus strand). VCF-style: chr7-108491465-T-C. GRCh37 (hg19) VCF-style: chr7-108131909-T-C.
Other names: c.1628A>G (NM_015723.2); c.1628A>G, p.Asp543Gly (NM_001256008.3, NM_001256009.3, NM_015723.5); c.1328A>G, p.Asp443Gly (NM_001256010.3, NM_001256011.3); short protein forms D443G, D543G.
Identifiers: ClinVar variation 2099687 (VCV002099687.5), dbSNP rs1385310043, ClinGen allele CA368895354.
Genomic context (GRCh38, chr7:108,491,465, plus strand): 5'-CTTACCTTAGGACATGTGGGGTTTCTTGCTGTTTCAATCATCAGTGCAGATCCCATCCTA[T>C]CCCTTTATTAAAGGAGAAAAAAATAAGTTATATCAAAATGACTTTATCTCCTAACAACCA-3'
Protein context (NP_001242936.1, residues 533-553): DSQTWENILK[Asp543Gly]RMGSALMIET

ClinVar aggregate classification (germline): Uncertain significance. Review status: criteria provided, multiple submitters, no conflicts (2 of 4 stars). 2 submissions from 2 submitters: Uncertain significance (2). Last evaluated 2025-09-08.

Conditions:
Inborn genetic diseases. Identifiers: MedGen C0950123, MeSH D030342.

Allele frequency attached by ClinVar (database versions not stated): gnomAD exomes below 0.00001.
gnomAD v4.1: 3 of 1,591,542 alleles (0.00019%); highest among the groups gnomAD compares: East Asian, 0.0045%; no homozygotes.

Submissions (2):

Labcorp Genetics (formerly Invitae), Labcorp
Classification: Uncertain significance. Last evaluated: 2025-09-08. Review status: criteria provided, single submitter. Criteria: Invitae Variant Classification Sherloc (09022015). Collection method: clinical testing. Allele origin: germline.
Comment: This sequence change replaces aspartic acid, which is acidic and polar, with glycine, which is neutral and non-polar, at codon 543 of the PNPLA8 protein (p.Asp543Gly). This variant is present in population databases (no rsID available, gnomAD 0.01%). This variant has not been reported in the literature in individuals affected with PNPLA8-related conditions. ClinVar contains an entry for this variant (Variation ID: 2099687). An algorithm developed to predict the effect of missense changes on protein structure and function (PolyPhen-2) suggests that this variant is likely to be tolerated. In summary, the available evidence is currently insufficient to determine the role of this variant in disease. Therefore, it has been classified as a Variant of Uncertain Significance.

Ambry Genetics
Classification: Uncertain significance for Inborn genetic diseases. Last evaluated: 2024-04-18. Review status: criteria provided, single submitter. Criteria: Ambry Variant Classification Scheme 2023. Collection method: clinical testing. Allele origin: germline.